The following is an entry in ClinVar:

NM_000038.6(APC):c.-19+3825T>A

Gene: APC (APC regulator of WNT signaling pathway; plus strand). Cytogenetic location: 5q22.2.
Variant type: single nucleotide variant.
Coding change: c.-19+3825T>A on transcript NM_000038.6 (MANE Select); 3825 bases into the intron after 19 bases upstream of the start codon, T replaced by A.
Molecular consequence: intron variant.
Genome position (GRCh38, 1-based): chr5:112,741,750, T>A. VCF-style: chr5-112741750-T-A. GRCh37 (hg19) VCF-style: chr5-112077447-T-A.
Other names: c.-18-13123T>A (NM_001354895.2); c.166-24576T>A (NM_001354897.2, NM_001354902.2, NM_001127511.3); c.-19+3290T>A (NM_001127510.3); c.60+3290T>A (NM_001354898.2, NM_001354904.2); c.-1054+3825T>A (NM_001354906.2); c.-19+3825T>A (NM_001354896.2, NM_001354903.2, NM_001354899.2); c.-43+3825T>A (NM_001354900.2, NM_001354901.2, NM_001354905.2).
Identifiers: ClinVar variation 82756 (VCV000082756.2), dbSNP rs4705608, ClinGen allele CA006442.

ClinVar aggregate classification (germline): other (0 of 4 stars; one submission).

Conditions:
Familial colorectal cancer. Identifiers: MedGen CN280943, MONDO:0023113. Disease mechanism: loss of function.

Allele frequency attached by ClinVar (database versions not stated): gnomAD 0.38667 and 0.39953; TOPMed 0.40248; 1000 Genomes Project 30x 0.42708; 1000 Genomes Project 0.43091.
gnomAD v4.1: 60,897 of 151,960 alleles (40%); highest among the groups gnomAD compares: East Asian, 66%; 14,677 homozygotes.

Submission:

Systems Biology Platform Zhejiang California International NanoSystems Institute
Classification: other for Familial colorectal cancer. Review status: no assertion criteria provided. Collection method: not provided. Allele origin: unknown.
ClinVar note: Converted during submission from cancer to other.